The following is an entry in ClinVar:

NM_020987.5(ANK3):c.2478+5G>A

Gene: ANK3 (ankyrin 3; minus strand). Cytogenetic location: 10q21.2.
Variant type: single nucleotide variant.
Coding change: c.2478+5G>A on transcript NM_020987.5 (MANE Select); 5 bases into the intron after coding-DNA position 2478, G replaced by A.
Molecular consequence: intron variant.
Genome position (GRCh38, 1-based): chr10:60,172,303, C>T on the plus strand (G>A on the coding strand, the complement: ANK3 is on the minus strand). VCF-style: chr10-60172303-C-T. GRCh37 (hg19) VCF-style: chr10-61932061-C-T.
Other names: c.2460+5G>A (NM_001204403.2); c.2427+5G>A (NM_001204404.2); c.2478+5G>A (NM_001320874.2).
Identifiers: ClinVar variation 2663289 (VCV002663289.1), dbSNP rs2493214858, ClinGen allele CA2574554493.
Genomic context (GRCh38, chr10:60,172,303, plus strand): 5'-AAAACCCAAGAAAACTGGCTGAAAGCTGGCTCCTAGGGTAACAAGGTTCTGCATTCCTTA[C>T]TTACAGTTGTGGTCATGGTCTCTTCGGTCACTATCTTCAGGGTGTCCACTACTGAGATGT-3'

ClinVar aggregate classification (germline): Uncertain significance (1 of 4 stars; one submission).

Submission:

GeneDx
Classification: Uncertain significance. Last evaluated: 2023-11-01. Review status: criteria provided, single submitter. Criteria: GeneDx Variant Classification Process June 2021. Collection method: clinical testing. Allele origin: germline. Affected: yes.
Comment: Has not been previously published as pathogenic or benign to our knowledge; Not observed at significant frequency in large population cohorts (gnomAD); Intronic +5 splice site variant in a gene for which loss of function is a known mechanism of disease, and both splice predictors and evolutionary conservation support a deleterious effect, although in the absence of functional evidence the actual effect of this sequence change is unknown.